The following is an entry in ClinVar:

ClinVar aggregate classification (germline): Pathogenic. Review status: criteria provided, single submitter (1 of 4 stars). 2 submissions from 2 submitters: Pathogenic (1). 1 of the submissions does not count toward it. Last evaluated 2013-02-08.

Conditions:
NIPBL-related disorder. Also called: NIPBL-related condition.
Cornelia de Lange syndrome 1 (CDLS1). Also called: Brachmann de Lange syndrome; NIPBL-Related Cornelia de Lange Syndrome; TYPUS DEGENERATIVUS AMSTELODAMENSIS. Identifiers: Orphanet 199, MedGen C4551851, MONDO:0007387, OMIM 122470.

Submissions (2):

Genetic Services Laboratory, University of Chicago
Classification: Pathogenic for Cornelia de Lange syndrome 1. Last evaluated: 2013-02-08. Review status: criteria provided, single submitter. Criteria: ACMG Guidelines, 2007. Collection method: clinical testing. Allele origin: germline. Inheritance: Autosomal dominant inheritance. Affected: yes.

PreventionGenetics, part of Exact Sciences
Classification: Pathogenic for NIPBL-related condition. Last evaluated: 2024-07-10. Review status: no assertion criteria provided. Collection method: clinical testing. Allele origin: germline. Not counted in ClinVar's aggregate classification.
Comment: The NIPBL c.7198delC variant is predicted to result in a frameshift and premature protein termination (p.Arg2400Valfs*26). To our knowledge, this variant has not been reported in the literature in association with disease. This variant is absent in the large population database gnomAD, indicating this variant is rare. Frameshift variants in NIPBL are an established mechanism of disease. Given the evidence, we interpret this variant as pathogenic.

NM_133433.4(NIPBL):c.7198del (p.Arg2400fs)

Gene: NIPBL (NIPBL cohesin loading factor; plus strand). Cytogenetic location: 5p13.2.
Variant type: Deletion.
Coding change: c.7198del on transcript NM_133433.4 (MANE Select); coding-DNA position 7198, one base deleted (C; older notation c.7198delC).
Protein change: p.Arg2400fs; shifts the reading frame from arginine 2400.
Molecular consequence: frameshift variant.
Genome position (GRCh38, 1-based): chr5:37,052,501, C deleted; the last of 2 consecutive C bases (chr5:37,052,500-37,052,501); deleting either gives the same sequence. VCF-style (leftmost placement, unchanged base first): chr5-37052499-TC-T. GRCh37 (hg19) VCF-style: chr5-37052601-TC-T.
Other names: c.7198del, p.Arg2400fs (NM_015384.5); c.7198delC (NM_133433.3); short protein forms R2400fs.
Identifiers: ClinVar variation 159224 (VCV000159224.7), dbSNP rs587784037, ClinGen allele CA272294.
Genomic context (GRCh38, chr5:37,052,499, plus strand): 5'-TAAGGGGTTTCAGACAAGACGAGTCCTCTAGCGCTTTGTGTTCACACCTTTACTCCATGA[TC>T]CGTGGAAACCGCCAACACAGACGAGCCTTTCTTATTTCTTTACTCAACCTCTTTGATGAC-3'